The following is an entry in ClinVar:

NM_145059.3(FCSK):c.2350C>T (p.Arg784Trp)

Gene: FCSK (fucose kinase; plus strand). Cytogenetic location: 16q22.1.
Variant type: single nucleotide variant.
Coding change: c.2350C>T on transcript NM_145059.3 (MANE Select); coding-DNA position 2350, C replaced by T.
Protein change: p.Arg784Trp; replaces arginine 784 with tryptophan.
Molecular consequence: missense variant.
Genome position (GRCh38, 1-based): chr16:70,474,984, C>T. VCF-style: chr16-70474984-C-T. GRCh37 (hg19) VCF-style: chr16-70508887-C-T.
Other names: short protein forms R784W.
Identifiers: ClinVar variation 2076634 (VCV002076634.8), dbSNP rs758086643, ClinGen allele CA8143564.
Genomic context (GRCh38, chr16:70,474,984, plus strand): 5'-GTGGGGCCTCGGCAGGATGAGATGACTGTGAAGATAGTGTGCCGGTGCCTGGCTGACCTG[C>T]GGGACTACTGCCAGCCTCATGCCCCAGGTCAGGCACCCTGGGACCTCTGCAGGTGGGGCT-3'
Protein context (NP_659496.2, residues 774-794): KIVCRCLADL[Arg784Trp]DYCQPHAPGA

ClinVar aggregate classification (germline): Uncertain significance. Review status: criteria provided, multiple submitters, no conflicts (2 of 4 stars). 2 submissions from 2 submitters: Uncertain significance (2). Last evaluated 2026-03-01.

Allele frequency attached by ClinVar (database versions not stated): gnomAD 0.00001; ExAC 0.00005.
gnomAD v4.1: 27 of 1,607,348 alleles (0.0017%); highest among the groups gnomAD compares: East Asian, 0.016%; no homozygotes.

Submissions (2):

CeGaT Center for Human Genetics Tuebingen
Classification: Uncertain significance. Last evaluated: 2026-03-01. Review status: criteria provided, single submitter. Criteria: CeGaT Center For Human Genetics Tuebingen Variant Classification Criteria Version 2. Collection method: clinical testing. Allele origin: germline. Affected: yes. Observed: 1 variant allele.

Labcorp Genetics (formerly Invitae), Labcorp
Classification: Uncertain significance. Last evaluated: 2025-12-26. Review status: criteria provided, single submitter. Criteria: Invitae Variant Classification Sherloc (09022015). Collection method: clinical testing. Allele origin: germline.
Comment: This sequence change replaces arginine, which is basic and polar, with tryptophan, which is neutral and slightly polar, at codon 784 of the FUK protein (p.Arg784Trp). This variant is present in population databases (rs758086643, gnomAD 0.07%), and has an allele count higher than expected for a pathogenic variant. This variant has not been reported in the literature in individuals affected with FUK-related conditions. ClinVar contains an entry for this variant (Variation ID: 2076634). An algorithm developed to predict the effect of missense changes on protein structure and function (PolyPhen-2) suggests that this variant is likely to be disruptive. In summary, the available evidence is currently insufficient to determine the role of this variant in disease. Therefore, it has been classified as a Variant of Uncertain Significance.